The following is an entry in ClinVar:

NM_000271.5(NPC1):c.1943T>C (p.Leu648Pro)

Gene: NPC1 (NPC intracellular cholesterol transporter 1; minus strand). Cytogenetic location: 18q11.2.
Variant type: single nucleotide variant.
Coding change: c.1943T>C on transcript NM_000271.5 (MANE Select); coding-DNA position 1943, T replaced by C.
Protein change: p.Leu648Pro; replaces leucine 648 with proline.
Molecular consequence: missense variant.
Genome position (GRCh38, 1-based): chr18:23,544,964, A>G on the plus strand (T>C on the coding strand, the complement: NPC1 is on the minus strand). VCF-style: chr18-23544964-A-G. GRCh37 (hg19) VCF-style: chr18-21124928-A-G.
Other names: short protein forms L648P.
Identifiers: ClinVar variation 2744081 (VCV002744081.3), dbSNP rs762029075, ClinGen allele CA8913341.

ClinVar aggregate classification (germline): Uncertain significance (1 of 4 stars; one submission).

Conditions:
Niemann-Pick disease, type C1. Also called: NIEMANN-PICK DISEASE, VARIANT TYPE C1; NEUROVISCERAL STORAGE DISEASE WITH VERTICAL SUPRANUCLEAR OPHTHALMOPLEGIA; NIEMANN-PICK DISEASE WITH CHOLESTEROL ESTERIFICATION BLOCK; NIEMANN-PICK DISEASE WITHOUT SPHINGOMYELINASE DEFICIENCY; NIEMANN-PICK DISEASE, CHRONIC NEURONOPATHIC FORM. Identifiers: Orphanet 646, MedGen C3179455, MONDO:0009757, OMIM 257220.

Allele frequency attached by ClinVar (database versions not stated): gnomAD exomes below 0.00001; ExAC 0.00001.
gnomAD v4.1: 2 of 1,449,748 alleles (0.00014%); highest among the groups gnomAD compares: Non-Finnish European, 0.000095%; no homozygotes.

Submission:

Labcorp Genetics (formerly Invitae), Labcorp
Classification: Uncertain significance for Niemann-Pick disease, type C1. Last evaluated: 2023-07-18. Review status: criteria provided, single submitter. Criteria: Invitae Variant Classification Sherloc (09022015). Collection method: clinical testing. Allele origin: germline.
Comment: This variant has not been reported in the literature in individuals affected with NPC1-related conditions. This variant is present in population databases (rs762029075, gnomAD 0.0009%). This sequence change replaces leucine, which is neutral and non-polar, with proline, which is neutral and non-polar, at codon 648 of the NPC1 protein (p.Leu648Pro). Advanced modeling of protein sequence and biophysical properties (such as structural, functional, and spatial information, amino acid conservation, physicochemical variation, residue mobility, and thermodynamic stability) performed at Invitae indicates that this missense variant is expected to disrupt NPC1 protein function. In summary, the available evidence is currently insufficient to determine the role of this variant in disease. Therefore, it has been classified as a Variant of Uncertain Significance.